The following is an entry in ClinVar:

NM_172095.4(CATSPER2):c.1179-8T>C

Gene: CATSPER2 (cation channel sperm associated 2; minus strand). Cytogenetic location: 15q15.3.
Variant type: single nucleotide variant.
Coding change: c.1179-8T>C on transcript NM_172095.4 (MANE Select); 8 bases into the intron before coding-DNA position 1179, T replaced by C.
Molecular consequence: intron variant.
Genome position (GRCh38, 1-based): chr15:43,632,942, A>G on the plus strand (T>C on the coding strand, the complement: CATSPER2 is on the minus strand). VCF-style: chr15-43632942-A-G. GRCh37 (hg19) VCF-style: chr15-43925140-A-G.
Other names: c.1179-14T>C (NM_001282309.3); c.1197-14T>C (NM_001282310.2).
Identifiers: ClinVar variation 517821 (VCV000517821.2), dbSNP rs7167634, ClinGen allele CA7528625.

ClinVar aggregate classification (germline): Benign. Review status: criteria provided, multiple submitters, no conflicts (2 of 4 stars). 2 submissions from 2 submitters: Benign (2). Last evaluated 2017-05-09.

Allele frequency attached by ClinVar (database versions not stated): gnomAD exomes 0.31716; ExAC 0.33212; gnomAD 0.39858 and 0.40073; TOPMed 0.42919; 1000 Genomes Project 0.45188; 1000 Genomes Project 30x 0.45394.

Submissions (2):

GeneDx
Classification: Benign. Last evaluated: 2017-05-09. Review status: criteria provided, single submitter. Criteria: GeneDx Variant Classification (06012015). Collection method: clinical testing. Allele origin: germline. Affected: yes.
Comment: This variant is considered likely benign or benign based on one or more of the following criteria: it is a conservative change, it occurs at a poorly conserved position in the protein, it is predicted to be benign by multiple in silico algorithms, and/or has population frequency not consistent with disease.

Breakthrough Genomics
Classification: Benign. Review status: criteria provided, single submitter. Criteria: ACMG Guidelines, 2015. Collection method: not provided. Allele origin: germline. Inheritance: Unknown mechanism. Affected: yes.